The following is an entry in ClinVar:

ClinVar aggregate classification (germline): Uncertain significance. Review status: criteria provided, multiple submitters, no conflicts (2 of 4 stars). 7 submissions from 7 submitters: Uncertain significance (7). Last evaluated 2026-09-05.

Conditions:
Hereditary cancer-predisposing syndrome. Also called: Neoplastic Syndromes, Hereditary; Hereditary Cancer Syndrome; Tumor predisposition; Hereditary neoplastic syndrome. Identifiers: Orphanet 140162, MedGen C0027672, MeSH D009386, MONDO:0015356.
Familial adenomatous polyposis 3. Also called: NTHL1-associated polyposis; NTHL1-related attenuated familial adenomatous polyposis; NTHL1-Related Adenomatous Polyposis and Colorectal Cancer; NTHL1 Tumor Syndrome. Identifiers: Orphanet 220460, Orphanet 454840, MedGen C4225157, MONDO:0014630, OMIM 616415.
NTHL1-related disorder. Also called: NTHL1-related condition; NTHL1-related conditions.

gnomAD v4.1: 9 of 1,602,562 alleles (0.00056%); highest among the groups gnomAD compares: South Asian, 0.0011%; no homozygotes.

Submissions (7):

PreventionGenetics, part of Exact Sciences
Classification: Uncertain significance for NTHL1-related condition. Last evaluated: 2026-09-05. Review status: criteria provided, single submitter. Criteria: ACMG Guidelines, 2015. Collection method: clinical testing. Allele origin: germline.
Comment: The NTHL1 c.382C>T variant is predicted to result in the amino acid substitution p.Arg128Cys. To our knowledge, this variant has not been reported in the literature. This variant is reported in 0.0034% of alleles in individuals of South Asian descent in gnomAD. This variant is interpreted as uncertain in ClinVar (Variation ID: 843342). At this time, the clinical significance of this variant is uncertain due to the absence of conclusive functional and genetic evidence.

Center for Genomic Medicine, Rigshospitalet, Copenhagen University Hospital
Classification: Uncertain significance. Last evaluated: 2025-12-29. Review status: criteria provided, single submitter. Criteria: ACMG Guidelines, 2015. Collection method: clinical testing. Allele origin: germline.

Labcorp Genetics (formerly Invitae), Labcorp
Classification: Uncertain significance. Last evaluated: 2025-09-03. Review status: criteria provided, single submitter. Criteria: Invitae Variant Classification Sherloc (09022015). Collection method: clinical testing. Allele origin: germline.
Comment: This sequence change replaces arginine, which is basic and polar, with cysteine, which is neutral and slightly polar, at codon 128 of the NTHL1 protein (p.Arg128Cys). The frequency data for this variant in the population databases is considered unreliable, as metrics indicate poor data quality at this position in the gnomAD database. This variant has not been reported in the literature in individuals affected with NTHL1-related conditions. ClinVar contains an entry for this variant (Variation ID: 843342). An algorithm developed to predict the effect of missense changes on protein structure and function (PolyPhen-2) suggests that this variant is likely to be tolerated. In summary, the available evidence is currently insufficient to determine the role of this variant in disease. Therefore, it has been classified as a Variant of Uncertain Significance.

Ambry Genetics
Classification: Uncertain significance for Hereditary cancer-predisposing syndrome. Last evaluated: 2024-07-24. Review status: criteria provided, single submitter. Criteria: Ambry Variant Classification Scheme 2023. Collection method: clinical testing. Allele origin: germline.
Comment: The p.R128C variant (also known as c.382C>T), located in coding exon 3 of the NTHL1 gene, results from a C to T substitution at nucleotide position 382. The arginine at codon 128 is replaced by cysteine, an amino acid with highly dissimilar properties. This amino acid position is poorly conserved in available vertebrate species. In addition, the in silico prediction for this alteration is inconclusive. Since supporting evidence is limited at this time, the clinical significance of this alteration remains unclear.

Baylor Genetics
Classification: Uncertain significance for Familial adenomatous polyposis 3. Last evaluated: 2023-07-11. Review status: criteria provided, single submitter. Criteria: ACMG Guidelines, 2015. Collection method: clinical testing. Allele origin: unknown.

GeneDx
Classification: Uncertain significance. Last evaluated: 2023-02-22. Review status: criteria provided, single submitter. Criteria: GeneDx Variant Classification Process June 2021. Collection method: clinical testing. Allele origin: germline. Affected: yes.
Comment: Not observed at significant frequency in large population cohorts (gnomAD); In silico analysis supports that this missense variant does not alter protein structure/function; Has not been previously published as pathogenic or benign to our knowledge

Institute for Clinical Genetics, University Hospital TU Dresden, University Hospital TU Dresden
Classification: Uncertain significance. Last evaluated: 2021-11-03. Review status: criteria provided, single submitter. Criteria: ACMG Guidelines, 2015. Collection method: clinical testing. Allele origin: germline.

NM_002528.7(NTHL1):c.358C>T (p.Arg120Cys)

Gene: NTHL1 (nth like DNA glycosylase 1; minus strand). Cytogenetic location: 16p13.3.
Variant type: single nucleotide variant.
Coding change: c.358C>T on transcript NM_002528.7 (MANE Select); coding-DNA position 358, C replaced by T.
Protein change: p.Arg120Cys; replaces arginine 120 with cysteine.
Molecular consequence: missense variant. On other transcripts: intron variant (1).
Genome position (GRCh38, 1-based): chr16:2,044,797, G>A on the plus strand (C>T on the coding strand, the complement: NTHL1 is on the minus strand). VCF-style: chr16-2044797-G-A. GRCh37 (hg19) VCF-style: chr16-2094798-G-A.
Other names: c.28C>T, p.Arg10Cys (NM_001318194.2); c.355-1071C>T (NM_001318193.2); short protein forms R120C, R10C.
Identifiers: ClinVar variation 843342 (VCV000843342.17), dbSNP rs370228590, ClinGen allele CA7828278.